The following is an entry in ClinVar:

ClinVar aggregate classification (germline): Conflicting classifications of pathogenicity. Review status: criteria provided, conflicting classifications (1 of 4 stars). 8 submissions from 8 submitters: Uncertain significance (2); Benign (2); Likely benign (4). Last evaluated 2026-02-02.

Conditions:
Hereditary cancer-predisposing syndrome. Also called: Neoplastic Syndromes, Hereditary; Tumor predisposition; Hereditary Cancer Syndrome; Hereditary neoplastic syndrome. Identifiers: Orphanet 140162, MedGen C0027672, MeSH D009386, MONDO:0015356.
Tuberous sclerosis 2 (TSC2). Identifiers: Orphanet 805, MedGen C1860707, MONDO:0013199, OMIM 613254.

Allele frequency attached by ClinVar (database versions not stated): TOPMed below 0.00001; gnomAD 0.00001; gnomAD exomes 0.00001 and 0.00002; ExAC 0.00003.
gnomAD v4.1: 12 of 1,612,336 alleles (0.00074%); highest among the groups gnomAD compares: Non-Finnish European, 0.001%; no homozygotes.

Submissions (8):

Labcorp Genetics (formerly Invitae), Labcorp
Classification: Benign for Tuberous sclerosis 2. Last evaluated: 2026-02-02. Review status: criteria provided, single submitter. Criteria: Invitae Variant Classification Sherloc (09022015). Collection method: clinical testing. Allele origin: germline.

Ambry Genetics
Classification: Likely benign for Hereditary cancer-predisposing syndrome. Last evaluated: 2025-12-11. Review status: criteria provided, single submitter. Criteria: Ambry Variant Classification Scheme 2023. Collection method: clinical testing. Allele origin: germline.

Myriad Genetics, Inc.
Classification: Likely benign for Tuberous sclerosis 2. Last evaluated: 2025-06-09. Review status: criteria provided, single submitter. Criteria: Myriad Autosomal Dominant, Autosomal Recessive and X-Linked Classification Criteria (2023). Collection method: clinical testing. Allele origin: unknown.
Comment: This variant is considered likely benign. This variant has been observed at a population frequency that is significantly greater than expected given the associated disease prevalence and penetrance.

Genetic Services Laboratory, University of Chicago
Classification: Uncertain significance. Last evaluated: 2023-08-25. Review status: criteria provided, single submitter. Criteria: ACMG Guidelines, 2015. Collection method: clinical testing. Allele origin: germline. Affected: no.
Comment: DNA sequence analysis of the TSC2 gene demonstrated a sequence change, c.5336A>G, in exon 42 that results in an amino acid change, p.Gln1779Arg. This sequence change does not appear to have been previously described in individuals with TSC2-related disorders. This sequence change has been described in the gnomAD database with a frequency of 0.005% in the European (non-Finnish) subpopulation (dbSNP rs748947919). The p.Gln1779Arg change affects a moderately conserved amino acid residue located in a domain of the TSC2 protein that is not known to be functional. In-silico pathogenicity prediction tools (SIFT, PolyPhen2, Align GVGD, REVEL) provide contradictory results for the p.Gln1779Arg substitution. Due to insufficient evidences and the lack of functional studies, the clinical significance of the p.Gln1779Arg change remains unknown at this time.

Genome-Nilou Lab
Classification: Benign for Tuberous sclerosis 2. Last evaluated: 2021-11-07. Review status: criteria provided, single submitter. Criteria: ACMG Guidelines, 2015. Collection method: clinical testing. Allele origin: germline. Affected: no.

Sema4
Classification: Likely benign for Hereditary cancer-predisposing syndrome. Last evaluated: 2021-04-30. Review status: criteria provided, single submitter. Criteria: Sema4 Curation Guidelines. Collection method: curation. Allele origin: germline.

St. Jude Molecular Pathology, St. Jude Children's Research Hospital
Classification: Uncertain significance for Tuberous sclerosis 2. Last evaluated: 2020-08-19. Review status: criteria provided, single submitter. Criteria: St. Jude Assertion Criteria 2020. Collection method: clinical testing. Allele origin: germline.

GeneDx
Classification: Likely benign. Last evaluated: 2018-01-17. Review status: criteria provided, single submitter. Criteria: GeneDx Variant Classification (06012015). Collection method: clinical testing. Allele origin: germline. Affected: yes.
Comment: This variant is considered likely benign or benign based on one or more of the following criteria: it is a conservative change, it occurs at a poorly conserved position in the protein, it is predicted to be benign by multiple in silico algorithms, and/or has population frequency not consistent with disease.

NM_000548.5(TSC2):c.5336A>G (p.Gln1779Arg)

Gene: TSC2 (TSC complex subunit 2; plus strand). Cytogenetic location: 16p13.3.
Variant type: single nucleotide variant.
Coding change: c.5336A>G on transcript NM_000548.5 (MANE Select); coding-DNA position 5336, A replaced by G.
Protein change: p.Gln1779Arg; replaces glutamine 1779 with arginine.
Molecular consequence: missense variant.
Genome position (GRCh38, 1-based): chr16:2,088,522, A>G. VCF-style: chr16-2088522-A-G. GRCh37 (hg19) VCF-style: chr16-2138523-A-G.
Other names: c.5135A>G, p.Gln1712Arg (NM_001077183.3); c.5267A>G, p.Gln1756Arg (NM_001114382.3); c.5027A>G, p.Gln1676Arg (NM_001318827.2); c.4991A>G, p.Gln1664Arg (NM_001318829.2); c.4604A>G, p.Gln1535Arg (NM_001318831.2); c.5168A>G, p.Gln1723Arg (NM_001318832.2); c.5138A>G, p.Gln1713Arg (NM_001363528.2); c.5204A>G, p.Gln1735Arg (NM_001370404.1); and 3 more; short protein forms Q1779R, Q1664R, Q1676R, Q1732R, Q1736R, Q1713R, Q1723R, Q1535R.
Identifiers: ClinVar variation 514715 (VCV000514715.24), dbSNP rs748947919, ClinGen allele CA055149.